The following is an entry in ClinVar:

NM_000465.4(BARD1):c.1830T>C (p.Pro610=)

Gene: BARD1 (BRCA1 associated RING domain 1; minus strand). Cytogenetic location: 2q35.
Variant type: single nucleotide variant.
Coding change: c.1830T>C on transcript NM_000465.4 (MANE Select); coding-DNA position 1830, T replaced by C.
Protein change: p.Pro610=; no amino-acid change (proline 610 retained).
Molecular consequence: synonymous variant. On other transcripts: non-coding transcript variant (3), intron variant (1).
Genome position (GRCh38, 1-based): chr2:214,745,140, A>G on the plus strand (T>C on the coding strand, the complement: BARD1 is on the minus strand). VCF-style: chr2-214745140-A-G. GRCh37 (hg19) VCF-style: chr2-215609864-A-G.
Other names: c.1773T>C, p.Pro591= (NM_001282543.2); c.477T>C, p.Pro159= (NM_001282545.2); c.420T>C, p.Pro140= (NM_001282548.2); c.365-14632T>C (NM_001282549.2).
Identifiers: ClinVar variation 3379362 (VCV003379362.1).

ClinVar aggregate classification (germline): Benign (1 of 4 stars; one submission).

Conditions:
Familial cancer of breast. Also called: hereditary breast carcinoma; Hereditary breast cancer; BREAST CANCER, FAMILIAL. Identifiers: Orphanet 227535, MedGen C0346153, MONDO:0016419, OMIM 114480. Disease mechanism: loss of function.

Submission:

Myriad Genetics, Inc.
Classification: Benign for Familial cancer of breast. Last evaluated: 2024-07-26. Review status: criteria provided, single submitter. Criteria: Myriad Autosomal Dominant, Autosomal Recessive and X-Linked Classification Criteria (2023). Collection method: clinical testing. Allele origin: unknown.
Comment: This variant is considered benign. This variant is a silent/synonymous amino acid change and it is not expected to impact splicing.